The following is an entry in ClinVar:

ClinVar aggregate classification (germline): Likely pathogenic. Review status: criteria provided, multiple submitters, no conflicts (2 of 4 stars). 3 submissions from 3 submitters: Likely pathogenic (2). 1 of the submissions does not count toward it. Last evaluated 2024-04-24.

Conditions:
Fanconi anemia (FA). Also called: Fanconi's anemia. Identifiers: Orphanet 84, MedGen C0015625, MeSH D005199, MONDO:0019391.
Fanconi anemia complementation group G. Also called: FANCG-Related Fanconi Anemia; Fanconi anemia group G. Identifiers: Orphanet 84, MedGen C3469527, MONDO:0013565, OMIM 614082.

Allele frequency attached by ClinVar (database versions not stated): gnomAD exomes below 0.00001.

Submissions (3):

Natera, Inc.
Classification: Likely pathogenic for Fanconi anemia group G. Last evaluated: 2024-04-24. Review status: criteria provided, single submitter. Criteria: Natera Variant Classification Schema (03/2026). Collection method: clinical testing. Allele origin: germline.
Comment: The c.1747G>T variant in FANCG is a nonsense variant predicted to introduce a stop codon at amino acid 583. This variant is expected to result in nonsense mediated decay, truncation, or a dysfunctional protein product. This variant is rare in the general population with a frequency below the threshold expected for the associated phenotype(s). Given the available evidence, this variant is classified as Likely Pathogenic.

Labcorp Genetics (formerly Invitae), Labcorp
Classification: Likely pathogenic for Fanconi anemia. Last evaluated: 2023-06-09. Review status: criteria provided, single submitter. Criteria: Invitae Variant Classification Sherloc (09022015). Collection method: clinical testing. Allele origin: germline.
Comment: In summary, the currently available evidence indicates that the variant is pathogenic, but additional data are needed to prove that conclusively. Therefore, this variant has been classified as Likely Pathogenic. This variant disrupts the the last 40 amino acid residue in FANCG. Other variant(s) that disrupt this residue have been determined to be pathogenic (PMID: 10567393, 10961856). This suggests that this residue is clinically significant, and that variants that disrupt this residue are likely to be disease-causing. This sequence change creates a premature translational stop signal (p.Glu583*) in the FANCG gene. While this is not anticipated to result in nonsense mediated decay, it is expected to disrupt the last 40 amino acid(s) of the FANCG protein. This variant is not present in population databases (gnomAD no frequency). This premature translational stop signal has been observed in individual(s) with Fanconi anemia (PMID: 23613520). ClinVar contains an entry for this variant (Variation ID: 188303). Algorithms developed to predict the effect of sequence changes on RNA splicing suggest that this variant may disrupt the consensus splice site.

Leiden Open Variation Database
Classification: Uncertain significance for Fanconi anemia complementation group G. Last evaluated: 2013-09-29. Review status: no assertion criteria provided. Collection method: curation. Allele origin: germline. Affected: yes. Not counted in ClinVar's aggregate classification.
Comment: Curator: Arleen D. Auerbach. Submitter to LOVD: Arleen D. Auerbach.

Literature cited by the submitters: PubMed 10567393 (cited by Labcorp Genetics (formerly Invitae), Labcorp); PubMed 10961856 (cited by Labcorp Genetics (formerly Invitae), Labcorp); PubMed 23613520 (cited by Labcorp Genetics (formerly Invitae), Labcorp and Leiden Open Variation Database).

NM_004629.2(FANCG):c.1747G>T (p.Glu583Ter)

Gene: FANCG (FA complementation group G; minus strand). Cytogenetic location: 9p13.3.
Variant type: single nucleotide variant.
Coding change: c.1747G>T on transcript NM_004629.2 (MANE Select); coding-DNA position 1747, G replaced by T.
Protein change: p.Glu583Ter; replaces glutamic acid 583 with a stop codon.
Molecular consequence: nonsense.
Genome position (GRCh38, 1-based): chr9:35,074,384, C>A on the plus strand (G>T on the coding strand, the complement: FANCG is on the minus strand). VCF-style: chr9-35074384-C-A. GRCh37 (hg19) VCF-style: chr9-35074381-C-A.
Other names: short protein forms E583*.
Identifiers: ClinVar variation 188303 (VCV000188303.10), dbSNP rs786204205, ClinGen allele CA334565.